The following is an entry in ClinVar:

NM_000268.4(NF2):c.*2759G>A

Gene: NF2 (NF2, moesin-ezrin-radixin like (MERLIN) tumor suppressor; plus strand). Cytogenetic location: 22q12.2.
Variant type: single nucleotide variant.
Coding change: c.*2759G>A on transcript NM_000268.4 (MANE Select); 2759 bases downstream of the stop codon, G replaced by A.
Molecular consequence: 3 prime UTR variant. On other transcripts: non-coding transcript variant (1).
Genome position (GRCh38, 1-based): chr22:29,697,561, G>A. VCF-style: chr22-29697561-G-A. GRCh37 (hg19) VCF-style: chr22-30093550-G-A.
Other names: c.*2819G>A (NM_016418.5, NM_181828.3, NM_181829.3 and 1 more transcripts); c.*2834G>A (NM_181832.3); c.*2759G>A (NM_181833.3).
Identifiers: ClinVar variation 341154 (VCV000341154.6), dbSNP rs5763430, ClinGen allele CA10645282.

ClinVar aggregate classification (germline): Benign. Review status: criteria provided, multiple submitters, no conflicts (2 of 4 stars). 2 submissions from 2 submitters: Benign (2). Last evaluated 2018-01-13.

Conditions:
Neurofibromatosis, type 2 (SWNV). Also called: SCHWANNOMATOSIS, VESTIBULAR; BILATERAL ACOUSTIC NEUROFIBROMATOSIS; NF2-Related Schwannomatosis. Identifiers: Orphanet 637, MedGen C0027832, MONDO:0007039, OMIM 101000. Disease mechanism: loss of function.

Allele frequency attached by ClinVar (database versions not stated): gnomAD exomes 0.02997; gnomAD 0.04278; TOPMed 0.05184; 1000 Genomes Project 0.09185; 1000 Genomes Project 30x 0.09275.
gnomAD v4.1: 8,181 of 177,920 alleles (4.6%); highest among the groups gnomAD compares: South Asian, 14%; 488 homozygotes.

Submissions (2):

Illumina Laboratory Services, Illumina
Classification: Benign for Neurofibromatosis, type 2. Last evaluated: 2018-01-13. Review status: criteria provided, single submitter. Criteria: ICSL Variant Classification Criteria 13 December 2019. Collection method: clinical testing. Allele origin: germline.
Comment: This variant was observed in the ICSL laboratory as part of a predisposition screen in an ostensibly healthy population. It had not been previously curated by ICSL or reported in the Human Gene Mutation Database (HGMD: prior to June 1st, 2018), and was therefore a candidate for classification through an automated scoring system. Utilizing variant allele frequency, disease prevalence and penetrance estimates, and inheritance mode, an automated score was calculated to assess if this variant is too frequent to cause the disease. Based on the score and internal cut-off values, a variant classified as benign is not then subjected to further curation. The score for this variant resulted in a classification of benign for this disease.

Breakthrough Genomics
Classification: Benign. Review status: criteria provided, single submitter. Criteria: ACMG Guidelines, 2015. Collection method: not provided. Allele origin: germline. Inheritance: Autosomal dominant inheritance. Affected: yes.